The following is an entry in ClinVar:

ClinVar aggregate classification (germline): Uncertain significance. Review status: criteria provided, multiple submitters, no conflicts (2 of 4 stars). 2 submissions from 2 submitters: Uncertain significance (2). Last evaluated 2025-09-28.

Conditions:
Inborn genetic diseases. Identifiers: MedGen C0950123, MeSH D030342.

Allele frequency attached by ClinVar (database versions not stated): gnomAD 0.00001; gnomAD exomes 0.00001; ExAC 0.00002; TOPMed 0.00002; ESP Exome Variant Server 0.00008.
gnomAD v4.1: 16 of 1,613,744 alleles (0.00099%); highest among the groups gnomAD compares: African/African-American, 0.004%; no homozygotes.

Submissions (2):

Ambry Genetics
Classification: Uncertain significance for Inborn genetic diseases. Last evaluated: 2025-09-28. Review status: criteria provided, single submitter. Criteria: Ambry Variant Classification Scheme 2023. Collection method: clinical testing. Allele origin: germline.

Labcorp Genetics (formerly Invitae), Labcorp
Classification: Uncertain significance. Last evaluated: 2025-08-26. Review status: criteria provided, single submitter. Criteria: Invitae Variant Classification Sherloc (09022015). Collection method: clinical testing. Allele origin: germline.
Comment: This sequence change replaces glutamic acid, which is acidic and polar, with lysine, which is basic and polar, at codon 2089 of the CACNA1D protein (p.Glu2089Lys). This variant is present in population databases (rs373783390, gnomAD 0.01%). This variant has not been reported in the literature in individuals affected with CACNA1D-related conditions. ClinVar contains an entry for this variant (Variation ID: 1924490). An algorithm developed to predict the effect of missense changes on protein structure and function (PolyPhen-2) suggests that this variant is likely to be disruptive. In summary, the available evidence is currently insufficient to determine the role of this variant in disease. Therefore, it has been classified as a Variant of Uncertain Significance.

NM_001128840.3(CACNA1D):c.6205G>A (p.Glu2069Lys)

Gene: CACNA1D (calcium voltage-gated channel subunit alpha1 D; plus strand). Cytogenetic location: 3p21.1.
Variant type: single nucleotide variant.
Coding change: c.6205G>A on transcript NM_001128840.3 (MANE Select); coding-DNA position 6205, G replaced by A.
Protein change: p.Glu2069Lys; replaces glutamic acid 2069 with lysine.
Molecular consequence: missense variant.
Genome position (GRCh38, 1-based): chr3:53,811,125, G>A. VCF-style: chr3-53811125-G-A. GRCh37 (hg19) VCF-style: chr3-53845152-G-A.
Other names: c.6265G>A, p.Glu2089Lys (NM_000720.4); c.6133G>A, p.Glu2045Lys (NM_001128839.3); c.6265G>A (NM_000720.2); short protein forms E2069K, E2045K, E2089K.
Identifiers: ClinVar variation 1924490 (VCV001924490.6), dbSNP rs373783390, ClinGen allele CA2455404.